The following is an entry in ClinVar:

ClinVar aggregate classification (germline): Likely benign. Review status: criteria provided, multiple submitters, no conflicts (2 of 4 stars). 3 submissions from 3 submitters: Likely benign (2). 1 of the submissions does not count toward it. Last evaluated 2024-12-17.

Conditions:
VPS13B-related disorder. Also called: VPS13B-related condition.
Cohen syndrome (COH1). Also called: PEPPER SYNDROME; Cutis verticis gyrata, retinitis pigmentosa, and sensorineural deafness. Identifiers: Orphanet 193, MedGen C0265223, MONDO:0008999, OMIM 216550.

Allele frequency attached by ClinVar (database versions not stated): ExAC 0.00002; gnomAD exomes 0.00002; gnomAD 0.00003 and 0.00004; TOPMed 0.00003; ESP Exome Variant Server 0.00008; 1000 Genomes Project 0.00020; 1000 Genomes Project 30x 0.00031.
gnomAD v4.1: 52 of 1,614,128 alleles (0.0032%); highest among the groups gnomAD compares: African/African-American, 0.012%; no homozygotes.

Submissions (3):

Labcorp Genetics (formerly Invitae), Labcorp
Classification: Likely benign for Cohen syndrome. Last evaluated: 2024-12-17. Review status: criteria provided, single submitter. Criteria: Invitae Variant Classification Sherloc (09022015). Collection method: clinical testing. Allele origin: germline.

Blueprint Genetics
Classification: Likely benign. Last evaluated: 2024-09-18. Review status: criteria provided, single submitter. Criteria: ACMG Guidelines, 2015. Collection method: clinical testing. Allele origin: germline.

PreventionGenetics, part of Exact Sciences
Classification: Likely benign for VPS13B-related condition. Last evaluated: 2021-07-29. Review status: no assertion criteria provided. Collection method: clinical testing. Allele origin: germline. Not counted in ClinVar's aggregate classification.
Comment: This variant is classified as likely benign based on ACMG/AMP sequence variant interpretation guidelines (Richards et al. 2015 PMID: 25741868, with internal and published modifications).

NM_152564.5(VPS13B):c.9993G>A (p.Gln3331=)

Gene: VPS13B (vacuolar protein sorting 13 homolog B; plus strand). Cytogenetic location: 8q22.2.
Variant type: single nucleotide variant.
Coding change: c.9993G>A on transcript NM_152564.5 (MANE Select); coding-DNA position 9993, G replaced by A.
Protein change: p.Gln3331=; no amino-acid change (glutamine 3331 retained).
Molecular consequence: synonymous variant.
Genome position (GRCh38, 1-based): chr8:99,848,826, G>A. VCF-style: chr8-99848826-G-A. GRCh37 (hg19) VCF-style: chr8-100861054-G-A.
Other names: c.9993G>A (NM_152564.4); c.10068G>A, p.Gln3356= (NM_017890.5).
Identifiers: ClinVar variation 1084484 (VCV001084484.12), dbSNP rs201746251, ClinGen allele CA4824851.